The following is an entry in ClinVar:

NM_004714.3(DYRK1B):c.1840C>A (p.Pro614Thr)

Gene: DYRK1B (dual specificity tyrosine phosphorylation regulated kinase 1B; minus strand). Cytogenetic location: 19q13.2.
Variant type: single nucleotide variant.
Coding change: c.1840C>A on transcript NM_004714.3 (MANE Select); coding-DNA position 1840, C replaced by A.
Protein change: p.Pro614Thr; replaces proline 614 with threonine.
Molecular consequence: missense variant.
Genome position (GRCh38, 1-based): chr19:39,825,765, G>T on the plus strand (C>A on the coding strand, the complement: DYRK1B is on the minus strand). VCF-style: chr19-39825765-G-T. GRCh37 (hg19) VCF-style: chr19-40316405-G-T.
Other names: c.1720C>A, p.Pro574Thr (NM_006483.3); c.1756C>A, p.Pro586Thr (NM_006484.3); short protein forms P574T, P586T, P614T.
Identifiers: ClinVar variation 2631834 (VCV002631834.4), dbSNP rs745880233, ClinGen allele CA9433906.
Genomic context (GRCh38, chr19:39,825,765, plus strand): 5'-GGGGGCAGGGTCACGAGCTGGCTGCTGTGCTCTGGGGTACACCACGGAGGCCCAGGTGAG[G>T]CCCCAGAGTGGCAGGGTCATCAGGAGGCGGGAGGGGTGGACGACCTCCAGTCATCCGAGT-3'
Protein context (NP_004705.1, residues 604-624): PPPDDPATLG[Pro614Thr]HLGLRGVPQS

ClinVar aggregate classification (germline): Uncertain significance (1 of 4 stars; one submission).

Conditions:
DYRK1B-related disorder. Also called: DYRK1B-related condition.

Allele frequency attached by ClinVar (database versions not stated): gnomAD 0.00013; gnomAD exomes 0.00025; ExAC 0.00064.
gnomAD v4.1: 367 of 1,570,412 alleles (0.023%); highest among the groups gnomAD compares: Non-Finnish European, 0.03%; no homozygotes.

Submission:

PreventionGenetics, part of Exact Sciences
Classification: Uncertain significance for DYRK1B-related condition. Last evaluated: 2026-01-12. Review status: criteria provided, single submitter. Criteria: ACMG Guidelines, 2015. Collection method: clinical testing. Allele origin: germline.
Comment: The DYRK1B c.1840C>A variant is predicted to result in the amino acid substitution p.Pro614Thr. To our knowledge, this variant has not been reported in the literature. This variant is reported in 0.041% of alleles in individuals of European (Non-Finnish) descent in gnomAD. Although we suspect that this variant may be benign, at this time, the clinical significance of this variant is uncertain due to the absence of conclusive functional and genetic evidence.